The following is an entry in ClinVar:

NM_002890.3(RASA1):c.3009G>C (p.Val1003=)

Genes: CCNH (cyclin H; minus strand), RASA1 (RAS p21 protein activator 1; plus strand). Cytogenetic location: 5q14.3.
Variant type: single nucleotide variant.
Coding change: c.3009G>C on transcript NM_002890.3 (MANE Select); coding-DNA position 3009, G replaced by C.
Protein change: p.Val1003=; no amino-acid change (valine 1003 retained).
Molecular consequence: synonymous variant. On other transcripts: intron variant (1).
Genome position (GRCh38, 1-based): chr5:87,389,476, G>C. VCF-style: chr5-87389476-G-C. GRCh37 (hg19) VCF-style: chr5-86685293-G-C.
Other names: c.2478G>C, p.Val826= (NM_022650.3); c.933+5568C>G (NM_001364075.2).
Identifiers: ClinVar variation 507264 (VCV000507264.12), dbSNP rs778423443, ClinGen allele CA3336193.
Genomic context (GRCh38, chr5:87,389,476, plus strand): 5'-TACAGAGCATTCTAGAACGGACCTGTCCCGTGATTTAGCAGCATTGCATGAGATTTGCGT[G>C]GCTCATTCAGATGAACTTCGAACGCTCAGTAATGAGCGTGGTGCACAGCAGGTAGGCTTT-3'
Protein context (NP_002881.1, residues 993-1013): RDLAALHEIC[Val1003=]AHSDELRTLS

ClinVar aggregate classification (germline): Likely benign. Review status: criteria provided, multiple submitters, no conflicts (2 of 4 stars). 3 submissions from 3 submitters: Likely benign (3). Last evaluated 2023-06-16.

Conditions:
Cardiovascular phenotype. Identifiers: MedGen CN230736.
Capillary malformation-arteriovenous malformation syndrome. Also called: Capillary malformation-arteriovenous malformation. Identifiers: Orphanet 137667, MedGen C1842180, MONDO:0012016.

Allele frequency attached by ClinVar (database versions not stated): TOPMed below 0.00001.
gnomAD v4.1: 3 of 1,614,154 alleles (0.00019%); highest among the groups gnomAD compares: Non-Finnish European, 0.00025%; no homozygotes.

Submissions (3):

Labcorp Genetics (formerly Invitae), Labcorp
Classification: Likely benign for Capillary malformation-arteriovenous malformation syndrome. Last evaluated: 2023-06-16. Review status: criteria provided, single submitter. Criteria: Invitae Variant Classification Sherloc (09022015). Collection method: clinical testing. Allele origin: germline.

Ambry Genetics
Classification: Likely benign for Cardiovascular phenotype. Last evaluated: 2022-12-04. Review status: criteria provided, single submitter. Criteria: Ambry Variant Classification Scheme 2023. Collection method: clinical testing. Allele origin: germline.

GeneDx
Classification: Likely benign. Last evaluated: 2017-02-06. Review status: criteria provided, single submitter. Criteria: GeneDx Variant Classification (06012015). Collection method: clinical testing. Allele origin: germline. Affected: yes.
Comment: This variant is considered likely benign or benign based on one or more of the following criteria: it is a conservative change, it occurs at a poorly conserved position in the protein, it is predicted to be benign by multiple in silico algorithms, and/or has population frequency not consistent with disease.